The following is an entry in ClinVar:

ClinVar aggregate classification (germline): Conflicting classifications of pathogenicity. Review status: criteria provided, conflicting classifications (1 of 4 stars). 2 submissions from 2 submitters: Likely pathogenic (1); Uncertain significance (1). Last evaluated 2025-09-08.

Conditions:
Fanconi anemia (FA). Also called: Fanconi's anemia. Identifiers: Orphanet 84, MedGen C0015625, MeSH D005199, MONDO:0019391.

Allele frequency attached by ClinVar (database versions not stated): gnomAD exomes below 0.00001.
gnomAD v4.1: 2 of 1,552,256 alleles (0.00013%); highest among the groups gnomAD compares: Non-Finnish European, 0.00017%; no homozygotes.

Submissions (2):

Dasa
Classification: Uncertain significance. Last evaluated: 2025-09-08. Review status: criteria provided, single submitter. Criteria: DASA Assertion Criteria. Collection method: clinical testing. Allele origin: germline.
Comment: NM_001113378.2(FANCI):c.976-1G>T affects a canonical splice site and is predicted to disrupt normal RNA splicing. This variant has been reported in individuals with FANCI-related disorders. Also, this variant is rare in population databases. The currently available literature and clinical evidence are not sufficient to establish a definitive association between this variant and the reported condition. Therefore, this variant is classified as a variant of uncertain significance.

Labcorp Genetics (formerly Invitae), Labcorp
Classification: Likely pathogenic for Fanconi anemia. Last evaluated: 2023-03-18. Review status: criteria provided, single submitter. Criteria: Invitae Variant Classification Sherloc (09022015). Collection method: clinical testing. Allele origin: germline.
Comment: In summary, the currently available evidence indicates that the variant is pathogenic, but additional data are needed to prove that conclusively. Therefore, this variant has been classified as Likely Pathogenic. Algorithms developed to predict the effect of sequence changes on RNA splicing suggest that this variant may disrupt the consensus splice site. This variant has not been reported in the literature in individuals affected with FANCI-related conditions. This variant is not present in population databases (gnomAD no frequency). This sequence change affects an acceptor splice site in intron 11 of the FANCI gene. It is expected to disrupt RNA splicing. Variants that disrupt the donor or acceptor splice site typically lead to a loss of protein function (PMID: 16199547), and loss-of-function variants in FANCI are known to be pathogenic (PMID: 17452773, 17460694).

Literature cited by the submitters: PubMed 16199547 (cited by Labcorp Genetics (formerly Invitae), Labcorp); PubMed 17452773 (cited by Labcorp Genetics (formerly Invitae), Labcorp); PubMed 17460694 (cited by Labcorp Genetics (formerly Invitae), Labcorp).

NM_001113378.2(FANCI):c.976-1G>T

Gene: FANCI (FA complementation group I; plus strand). Cytogenetic location: 15q26.1.
Variant type: single nucleotide variant.
Coding change: c.976-1G>T on transcript NM_001113378.2 (MANE Select); the canonical splice acceptor site of the intron before coding-DNA position 976, G replaced by T.
Molecular consequence: splice acceptor variant.
Genome position (GRCh38, 1-based): chr15:89,274,167, G>T. VCF-style: chr15-89274167-G-T. GRCh37 (hg19) VCF-style: chr15-89817398-G-T.
Other names: c.976-1G>T (NM_018193.3, NM_001376911.1); c.697-1G>T (NM_001376910.1).
Identifiers: ClinVar variation 2752057 (VCV002752057.5), dbSNP rs1325973604, ClinGen allele CA393741494.